The following is an entry in ClinVar:

ClinVar aggregate classification (germline): Uncertain significance (1 of 4 stars; one submission).

Conditions:
Hypertelorism. Identifiers: MedGen C0020534, OMIM 145400, HP:0000316.
Macrocephaly. Also called: Macrocephalus; large head. Identifiers: MedGen C2243051, HP:0000256.
Exocrine pancreatic insufficiency. Identifiers: MedGen C0267963, MONDO:0001684, HP:0001738.
Large forehead. Identifiers: MedGen C1839783, HP:0002003.
Disproportionate short stature. Identifiers: MedGen C0878659, HP:0003498.
Limb undergrowth. Also called: short extremities; Short limbs. Identifiers: MedGen C0239399, HP:0009826.
Motor delay. Also called: Motor Developmental Delay; Motor retardation. Identifiers: MedGen C1854301, HP:0001270.
Short stature. Identifiers: MedGen C0349588, HP:0004322.

Submission:

Institute of Human Genetics, University of Leipzig Medical Center
Classification: Uncertain significance for Macrocephaly; Hypertelorism; Motor delay; Exocrine pancreatic insufficiency; Large forehead; Disproportionate short stature; Short stature; Limb undergrowth. Last evaluated: 2022-08-08. Review status: criteria provided, single submitter. Criteria: ACMG Guidelines, 2015. Collection method: clinical testing. Allele origin: de novo. Affected: yes.
Comment: This variant was identified as de novo (maternity and paternity confirmed)._x000D_ Criteria applied: PS2_MOD, PM2_SUP, PP2, PP3

NM_014633.5(CTR9):c.85G>A (p.Glu29Lys)

Gene: CTR9 (CTR9 component of Paf1/RNA polymerase II complex; plus strand). Cytogenetic location: 11p15.4.
Variant type: single nucleotide variant.
Coding change: c.85G>A on transcript NM_014633.5 (MANE Select); coding-DNA position 85, G replaced by A.
Protein change: p.Glu29Lys; replaces glutamic acid 29 with lysine.
Molecular consequence: missense variant.
Genome position (GRCh38, 1-based): chr11:10,752,711, G>A. VCF-style: chr11-10752711-G-A. GRCh37 (hg19) VCF-style: chr11-10774258-G-A.
Other names: c.85G>A, p.Glu29Lys (NM_001346279.2); short protein forms E29K.
Identifiers: ClinVar variation 1707508 (VCV001707508.1), dbSNP rs2539366637, ClinGen allele CA379675077.